The following is an entry in ClinVar:

ClinVar aggregate classification (germline): Uncertain significance (1 of 4 stars; one submission).

Allele frequency attached by ClinVar (database versions not stated): gnomAD exomes below 0.00001; gnomAD 0.00001.
gnomAD v4.1: 2 of 1,585,058 alleles (0.00013%); highest among the groups gnomAD compares: Non-Finnish European, 0.00017%; no homozygotes.

Submission:

Labcorp Genetics (formerly Invitae), Labcorp
Classification: Uncertain significance. Last evaluated: 2024-10-17. Review status: criteria provided, single submitter. Criteria: Invitae Variant Classification Sherloc (09022015). Collection method: clinical testing. Allele origin: germline.
Comment: This sequence change replaces histidine, which is basic and polar, with leucine, which is neutral and non-polar, at codon 1342 of the HSPG2 protein (p.His1342Leu). This variant is not present in population databases (gnomAD no frequency). This variant has not been reported in the literature in individuals affected with HSPG2-related conditions. ClinVar contains an entry for this variant (Variation ID: 2066980). An algorithm developed to predict the effect of missense changes on protein structure and function (PolyPhen-2) suggests that this variant¬†is likely to be tolerated. In summary, the available evidence is currently insufficient to determine the role of this variant in disease. Therefore, it has been classified as a Variant of Uncertain Significance.

NM_005529.7(HSPG2):c.4025A>T (p.His1342Leu)

Gene: HSPG2 (heparan sulfate proteoglycan 2; minus strand). Cytogenetic location: 1p36.12.
Variant type: single nucleotide variant.
Coding change: c.4025A>T on transcript NM_005529.7 (MANE Select); coding-DNA position 4025, A replaced by T.
Protein change: p.His1342Leu; replaces histidine 1342 with leucine.
Molecular consequence: missense variant.
Genome position (GRCh38, 1-based): chr1:21,872,624, T>A on the plus strand (A>T on the coding strand, the complement: HSPG2 is on the minus strand). VCF-style: chr1-21872624-T-A. GRCh37 (hg19) VCF-style: chr1-22199117-T-A.
Other names: c.4028A>T, p.His1343Leu (NM_001291860.2); short protein forms H1343L, H1342L.
Identifiers: ClinVar variation 2066980 (VCV002066980.2), dbSNP rs1572307301, ClinGen allele CA338958864.